The following is an entry in ClinVar:

ClinVar aggregate classification (germline): Uncertain significance (1 of 4 stars; one submission).

Allele frequency attached by ClinVar (database versions not stated): gnomAD exomes below 0.00001 and 0.00001; TOPMed below 0.00001; ExAC 0.00001.
gnomAD v4.1: 11 of 1,598,432 alleles (0.00069%); highest among the groups gnomAD compares: African/African-American, 0.0013%; no homozygotes.

Submission:

Labcorp Genetics (formerly Invitae), Labcorp
Classification: Uncertain significance. Last evaluated: 2021-06-24. Review status: criteria provided, single submitter. Criteria: Invitae Variant Classification Sherloc (09022015). Collection method: clinical testing. Allele origin: germline.
Comment: This variant is present in population databases (rs554422010, ExAC 0.002%). This sequence change replaces aspartic acid with asparagine at codon 468 of the SZT2 protein (p.Asp468Asn). The aspartic acid residue is weakly conserved and there is a small physicochemical difference between aspartic acid and asparagine. This variant has not been reported in the literature in individuals with SZT2-related conditions. In summary, the available evidence is currently insufficient to determine the role of this variant in disease. Therefore, it has been classified as a Variant of Uncertain Significance. Algorithms developed to predict the effect of missense changes on protein structure and function are either unavailable or do not agree on the potential impact of this missense change (SIFT: "Tolerated"; PolyPhen-2: "Probably Damaging"; Align-GVGD: "Class C0").

NM_001365999.1(SZT2):c.1402G>A (p.Asp468Asn)

Gene: SZT2 (SZT2 subunit of KICSTOR complex; plus strand). Cytogenetic location: 1p34.2.
Variant type: single nucleotide variant.
Coding change: c.1402G>A on transcript NM_001365999.1 (MANE Select); coding-DNA position 1402, G replaced by A.
Protein change: p.Asp468Asn; replaces aspartic acid 468 with asparagine.
Molecular consequence: missense variant.
Genome position (GRCh38, 1-based): chr1:43,420,889, G>A. VCF-style: chr1-43420889-G-A. GRCh37 (hg19) VCF-style: chr1-43886560-G-A.
Other names: c.1402G>A, p.Asp468Asn (NM_015284.4); short protein forms D468N.
Identifiers: ClinVar variation 1417172 (VCV001417172.6), dbSNP rs554422010, ClinGen allele CA808410.